The following is an entry in ClinVar:

ClinVar aggregate classification (germline): Conflicting classifications of pathogenicity. Review status: criteria provided, conflicting classifications (1 of 4 stars). 2 submissions from 2 submitters: Uncertain significance (1); Likely benign (1). Last evaluated 2025-03-10.

Conditions:
Cardiomyopathy (CMYO). Also called: Cardiomyopathies. Identifiers: Orphanet 167848, MedGen C0878544, MONDO:0004994, HP:0001638. Inheritance: Various modes of inheritance.
Hypertrophic cardiomyopathy. Also called: HYPERTROPHIC MYOCARDIOPATHY. Identifiers: Orphanet 217569, MedGen C0007194, MeSH D002312, MONDO:0005045, HP:0001639.

Submissions (2):

Color Diagnostics, LLC DBA Color Health
Classification: Likely benign for Cardiomyopathy. Last evaluated: 2025-03-10. Review status: criteria provided, single submitter. Criteria: ACMG Guidelines, 2015. Collection method: clinical testing. Allele origin: germline.

All of Us Research Program, National Institutes of Health
Classification: Uncertain significance for Hypertrophic cardiomyopathy. Last evaluated: 2023-08-23. Review status: criteria provided, single submitter. Criteria: ACMG Guidelines, 2015. Collection method: clinical testing. Allele origin: germline. Inheritance: Autosomal dominant inheritance. Observed: 1 variant allele, 1 heterozygote.
Comment: This variant deletes one nucleotide in intron 8 of the TPM1 gene. To our knowledge, functional studies have not been reported for this variant. This variant has not been reported in individuals affected with TPM1-related disorders in the literature. This variant has not been identified in the general population by the Genome Aggregation Database (gnomAD). The available evidence is insufficient to determine the role of this variant in disease conclusively. Therefore, this variant is classified as a Variant of Uncertain Significance.

This study involves interpretation of variants in research participants for the purpose of population health screening. Participant phenotype was not available at the time of variant classification. Additional details can be found in publication PMID: 35346344, PMCID: PMC8962531

NM_001018005.2(TPM1):c.773-10del

Gene: TPM1 (tropomyosin 1; plus strand). Cytogenetic location: 15q22.2.
Variant type: Deletion.
Coding change: c.773-10del on transcript NM_001018005.2 (MANE Select); 10 bases into the intron before coding-DNA position 773, one base deleted (C; older notation c.773-10delC).
Molecular consequence: intron variant. On other transcripts: 3 prime UTR variant (3), non-coding transcript variant (1).
Genome position (GRCh38, 1-based): chr15:63,064,054, C deleted; the last of 2 consecutive C bases (chr15:63,064,053-63,064,054); deleting either gives the same sequence. VCF-style (leftmost placement, unchanged base first): chr15-63064052-TC-T. GRCh37 (hg19) VCF-style: chr15-63356251-TC-T.
Other names: c.*1245del (NM_001407325.1, NM_001407340.1, NM_001407341.1); c.898+1409del (NM_001365778.1); c.772+1409del (NM_001407336.1, NM_001018020.2, NM_001407338.1 and 8 more transcripts); c.773-10del (NM_001407326.1, NM_001407334.1, NM_001407335.1 and 8 more transcripts); c.899-10del (NM_001407323.1, NM_001407322.1, NM_001407324.1); c.664+1409del (NM_001330351.2, NM_001330344.2, NM_001018008.2 and 3 more transcripts); c.665-10del (NM_001365781.2, NM_001407344.1, NM_001365782.1 and 1 more transcripts).
Identifiers: ClinVar variation 3073123 (VCV003073123.2), dbSNP rs2035993567, ClinGen allele CA2182496085.